The following is an entry in ClinVar:

ClinVar aggregate classification (germline): Uncertain significance. Review status: criteria provided, multiple submitters, no conflicts (2 of 4 stars). 4 submissions from 4 submitters: Uncertain significance (4). Last evaluated 2025-12-09.

Conditions:
Mucopolysaccharidosis, MPS-III-A (MPS3A). Also called: MUCOPOLYSACCHARIDOSIS, TYPE IIIA, ATTENUATED; Mucopolysaccharidosis type IIIA (Sanfilippo A); mucopolysaccharidosis type 3A; MPS IIIA (Sanfilippo Syndrome Type A); MPS III A; HEPARAN SULFATE SULFATASE DEFICIENCY. Identifiers: Orphanet 581, Orphanet 79269, MedGen C0086647, MONDO:0009655, OMIM 252900.
Inborn genetic diseases. Identifiers: MedGen C0950123, MeSH D030342.

Allele frequency attached by ClinVar (database versions not stated): gnomAD exomes 0.00001; TOPMed 0.00002; gnomAD 0.00001; ExAC 0.00002.
gnomAD v4.1: 33 of 1,612,896 alleles (0.002%); highest among the groups gnomAD compares: Middle Eastern, 0.016%; no homozygotes.

Submissions (4):

Ambry Genetics
Classification: Uncertain significance for Inborn genetic diseases. Last evaluated: 2025-12-09. Review status: criteria provided, single submitter. Criteria: Ambry Variant Classification Scheme 2023. Collection method: clinical testing. Allele origin: germline.

Labcorp Genetics (formerly Invitae), Labcorp
Classification: Uncertain significance for Mucopolysaccharidosis, MPS-III-A. Last evaluated: 2022-08-31. Review status: criteria provided, single submitter. Criteria: Invitae Variant Classification Sherloc (09022015). Collection method: clinical testing. Allele origin: germline.
Comment: This sequence change replaces arginine, which is basic and polar, with tryptophan, which is neutral and slightly polar, at codon 465 of the SGSH protein (p.Arg465Trp). This variant is present in population databases (rs754273400, gnomAD 0.006%). This variant has not been reported in the literature in individuals affected with SGSH-related conditions. ClinVar contains an entry for this variant (Variation ID: 325827). Algorithms developed to predict the effect of missense changes on protein structure and function (SIFT, PolyPhen-2, Align-GVGD) all suggest that this variant is likely to be disruptive. In summary, the available evidence is currently insufficient to determine the role of this variant in disease. Therefore, it has been classified as a Variant of Uncertain Significance.

Genome-Nilou Lab
Classification: Uncertain significance for Mucopolysaccharidosis, MPS-III-A. Last evaluated: 2021-11-07. Review status: criteria provided, single submitter. Criteria: ACMG Guidelines, 2015. Collection method: clinical testing. Allele origin: germline. Affected: no.

Illumina Laboratory Services, Illumina
Classification: Uncertain significance for Mucopolysaccharidosis, MPS-III-A. Last evaluated: 2018-01-12. Review status: criteria provided, single submitter. Criteria: ICSL Variant Classification Criteria 13 December 2019. Collection method: clinical testing. Allele origin: germline.

NM_000199.5(SGSH):c.1393C>T (p.Arg465Trp)

Gene: SGSH (N-sulfoglucosamine sulfohydrolase; minus strand). Cytogenetic location: 17q25.3.
Variant type: single nucleotide variant.
Coding change: c.1393C>T on transcript NM_000199.5 (MANE Select); coding-DNA position 1393, C replaced by T.
Protein change: p.Arg465Trp; replaces arginine 465 with tryptophan.
Molecular consequence: missense variant. On other transcripts: 3 prime UTR variant (2), non-coding transcript variant (1).
Genome position (GRCh38, 1-based): chr17:80,210,568, G>A on the plus strand (C>T on the coding strand, the complement: SGSH is on the minus strand). VCF-style: chr17-80210568-G-A. GRCh37 (hg19) VCF-style: chr17-78184367-G-A.
Other names: c.*480C>T (NM_001352921.3); c.*443C>T (NM_001352922.2); short protein forms R465W.
Identifiers: ClinVar variation 325827 (VCV000325827.10), dbSNP rs754273400, ClinGen allele CA8817593.